The following is an entry in ClinVar:

ClinVar aggregate classification (germline): Likely benign. Review status: criteria provided, multiple submitters, no conflicts (2 of 4 stars). 3 submissions from 3 submitters: Likely benign (2). 1 of the submissions does not count toward it. Last evaluated 2026-04-01.

Conditions:
CCBE1-related disorder. Also called: CCBE1-related condition.

Allele frequency attached by ClinVar (database versions not stated): ExAC 0.00001; gnomAD 0.00001; gnomAD exomes 0.00001; TOPMed 0.00002.
gnomAD v4.1: 15 of 1,614,000 alleles (0.00093%); highest among the groups gnomAD compares: Admixed American, 0.0067%; no homozygotes.

Submissions (3):

CeGaT Center for Human Genetics Tuebingen
Classification: Likely benign. Last evaluated: 2026-04-01. Review status: criteria provided, single submitter. Criteria: CeGaT Center For Human Genetics Tuebingen Variant Classification Criteria Version 2. Collection method: clinical testing. Allele origin: germline. Affected: yes. Observed: 1 variant allele.
Comment: CCBE1: BP4, BP7

Labcorp Genetics (formerly Invitae), Labcorp
Classification: Likely benign. Last evaluated: 2025-12-15. Review status: criteria provided, single submitter. Criteria: Invitae Variant Classification Sherloc (09022015). Collection method: clinical testing. Allele origin: germline.

PreventionGenetics, part of Exact Sciences
Classification: Likely benign for CCBE1-related condition. Last evaluated: 2023-12-27. Review status: no assertion criteria provided. Collection method: clinical testing. Allele origin: germline. Not counted in ClinVar's aggregate classification.
Comment: This variant is classified as likely benign based on ACMG/AMP sequence variant interpretation guidelines (Richards et al. 2015 PMID: 25741868, with internal and published modifications).

NM_133459.4(CCBE1):c.633C>T (p.Thr211=)

Gene: CCBE1 (collagen and calcium binding EGF domains 1; minus strand). Cytogenetic location: 18q21.32.
Variant type: single nucleotide variant.
Coding change: c.633C>T on transcript NM_133459.4 (MANE Select); coding-DNA position 633, C replaced by T.
Protein change: p.Thr211=; no amino-acid change (threonine 211 retained).
Molecular consequence: synonymous variant.
Genome position (GRCh38, 1-based): chr18:59,454,872, G>A on the plus strand (C>T on the coding strand, the complement: CCBE1 is on the minus strand). VCF-style: chr18-59454872-G-A. GRCh37 (hg19) VCF-style: chr18-57122104-G-A.
Other names: c.633C>T (NM_133459.3).
Identifiers: ClinVar variation 1665458 (VCV001665458.12), dbSNP rs764676830, ClinGen allele CA8980402.